The following continues an entry in ClinVar:

NM_000179.3(MSH6):c.3260C>A (p.Pro1087His)

Gene: MSH6. ClinVar aggregate classification (germline): Conflicting classifications of pathogenicity. Uncertain significance (11); Benign (1); Likely benign (7).

Submissions 11 to 21 of 21:

All of Us Research Program, National Institutes of Health
Classification: Uncertain significance for Lynch syndrome. Last evaluated: 2024-09-23. Review status: criteria provided, single submitter. Criteria: ACMG Guidelines, 2015. Collection method: clinical testing. Allele origin: germline. Inheritance: Autosomal dominant inheritance. Observed: 47 variant alleles, 47 heterozygotes.
Comment: This missense variant replaces proline with histidine at codon 1087 of the MSH6 protein. Computational prediction suggests that this variant may have deleterious impact on protein structure and function (internally defined REVEL score threshold >= 0.7, PMID: 27666373). To our knowledge, functional studies have not been reported for this variant. This variant has been reported in individuals affected with endometrial cancer (PMID: 27398995), breast cancer (PMID: 26689913, 32068069, 32658311), gastric cancer (PMID: 26689913), acute myeloid leukemia (PMID: 26689913), or colorectal cancer (PMID: 30072391), as well as in a healthy control individual (PMID: 24728327). This variant has been identified in 35/282836 chromosomes in the general population by the Genome Aggregation Database (gnomAD). The available evidence is insufficient to determine the role of this variant in disease conclusively. Therefore, this variant is classified as a Variant of Uncertain Significance.

This study involves interpretation of variants in research participants for the purpose of population health screening. Participant phenotype was not available at the time of variant classification. Additional details can be found in publication PMID: 35346344, PMCID: PMC8962531

Blueprint Genetics
Classification: Likely benign. Last evaluated: 2024-08-20. Review status: criteria provided, single submitter. Criteria: ACMG Guidelines, 2015. Collection method: clinical testing. Allele origin: germline.

Sema4
Classification: Uncertain significance for Hereditary cancer-predisposing syndrome. Last evaluated: 2022-03-12. Review status: criteria provided, single submitter. Criteria: Sema4 Curation Guidelines. Collection method: curation. Allele origin: germline.
Comment: The MSH6 c.3260C>A (p.P1087H) variant has been reported in individuals with breast cancer, stomach adenocarcinoma, acute myeloid leukemia, endometrial cancer, colorectal cancer, extrahepatic bile duct cancer, and pancreatic cancer (PMID: 26689913, 27398995, 30072391, 32658311, 32068069, 31666926, 29684080). However, the variant was also reported in healthy controls (PMID: 32980694, 24728327). It was observed in 35/282836 across all populations in the large and broad cohorts of the Genome Aggregation Database (PMID: 32461654). The variant has been reported in ClinVar (Variation ID 127584). In silico tools suggest the impact of the variant on protein function is deleterious, though these predictions have not been confirmed by functional studies. The evidence is insufficient to meet ACMG/AMP criteria for classifying the variant as benign or pathogenic. Thus, the clinical significance of this variant is currently uncertain.

Ambry Genetics
Classification: Likely benign for Hereditary cancer-predisposing syndrome. Last evaluated: 2022-01-25. Review status: criteria provided, single submitter. Criteria: Ambry Variant Classification Scheme 2023. Collection method: clinical testing. Allele origin: germline.

Institute for Clinical Genetics, University Hospital TU Dresden, University Hospital TU Dresden
Classification: Uncertain significance. Last evaluated: 2021-11-03. Review status: criteria provided, single submitter. Criteria: ACMG Guidelines, 2015. Collection method: clinical testing. Allele origin: germline.

GeneDx
Classification: Likely benign. Last evaluated: 2021-04-14. Review status: criteria provided, single submitter. Criteria: GeneDx Variant Classification Process June 2021. Collection method: clinical testing. Allele origin: germline. Affected: yes.
Comment: In silico analysis supports that this missense variant has a deleterious effect on protein structure/function; This variant is associated with the following publications: (PMID: 10537275, 24728327, 23621914, 27398995, 26689913, 17594722, 10508506, 17531815, 22851212, 12019211, 21120944, 22102614, 29596542, 30072391)

Baylor Genetics
Classification: Uncertain significance for Mismatch repair cancer syndrome 1. Last evaluated: 2021-02-09. Review status: criteria provided, single submitter. Criteria: ACMG Guidelines, 2015. Collection method: clinical testing. Allele origin: unknown. Affected: yes. Study: CSER-TexasKidsCanSeq.
Comment: This variant was determined to be of uncertain significance according to ACMG Guidelines, 2015 [PMID:25741868].

Department of Pathology and Laboratory Medicine, Sinai Health System
Classification: Uncertain significance for Lynch syndrome. Last evaluated: 2021-01-19. Review status: criteria provided, single submitter. Criteria: ACMG Guidelines, 2015. Collection method: clinical testing. Allele origin: germline. Affected: yes.

CENTOGENE GmbH and LLC - Guiding Precision Medicine
Classification: Uncertain significance for Lynch syndrome 5. Last evaluated: 2020-01-17. Review status: criteria provided, single submitter. Criteria: ACMG Guidelines, 2015. Collection method: clinical testing. Allele origin: germline.

ITMI
No classification provided. Condition: AllHighlyPenetrant. Last evaluated: 2013-09-19. Review status: no classification provided. Collection method: reference population. Allele origin: germline. Not counted in ClinVar's aggregate classification.
Comment: Please see associated publication for description of ethnicities

Mayo Clinic Laboratories, Mayo Clinic
Classification: Uncertain significance. Review status: no assertion criteria provided. Collection method: clinical testing. Allele origin: unknown. Not counted in ClinVar's aggregate classification.

Literature cited by the submitters: PubMed 27398995 (cited by 7 submitters); PubMed 30072391 (cited by 7 submitters); PubMed 35904628 (cited by Quest Diagnostics Nichols Institute San Juan Capistrano and Women's Health and Genetics/Laboratory Corporation of America, LabCorp); PubMed 32658311 (cited by 4 submitters); PubMed 32068069 (cited by 4 submitters); PubMed 26689913 (cited by 5 submitters); PubMed 33471991 (cited by Quest Diagnostics Nichols Institute San Juan Capistrano); PubMed 21120944 (cited by Quest Diagnostics Nichols Institute San Juan Capistrano and Ambry Genetics); PubMed 38509102 (cited by Quest Diagnostics Nichols Institute San Juan Capistrano); PubMed 36243179 (cited by Quest Diagnostics Nichols Institute San Juan Capistrano and Women's Health and Genetics/Laboratory Corporation of America, LabCorp); PubMed 35171259 (cited by Quest Diagnostics Nichols Institute San Juan Capistrano); PubMed 22102614 (cited by 3 submitters); PubMed 23621914 (cited by Quest Diagnostics Nichols Institute San Juan Capistrano and Women's Health and Genetics/Laboratory Corporation of America, LabCorp); PubMed 24728327 (cited by 6 submitters); PubMed 24448499 (cited by Women's Health and Genetics/Laboratory Corporation of America, LabCorp); PubMed 22851212 (cited by Center for Genomic Medicine, Rigshospitalet, Copenhagen University Hospital and Ambry Genetics); PubMed 27363726 (cited by Myriad Genetics, Inc.); PubMed 31666926 (cited by Sema4 and Ambry Genetics); PubMed 29684080 (cited by Sema4); PubMed 32980694 (cited by Sema4); PubMed 10508506 (cited by Ambry Genetics); PubMed 10537275 (cited by Ambry Genetics); PubMed 12019211 (cited by Ambry Genetics); PubMed 17531815 (cited by Ambry Genetics); PubMed 17594722 (cited by Ambry Genetics); PubMed 24040339 (cited by Ambry Genetics).